The following is an entry in ClinVar:

ClinVar aggregate classification (germline): Uncertain significance (1 of 4 stars; one submission).

Allele frequency attached by ClinVar (database versions not stated): gnomAD exomes below 0.00001; TOPMed 0.00001.
gnomAD v4.1: 2 of 1,351,852 alleles (0.00015%); highest among the groups gnomAD compares: South Asian, 0.0011%; no homozygotes.

Submission:

Labcorp Genetics (formerly Invitae), Labcorp
Classification: Uncertain significance. Last evaluated: 2022-04-03. Review status: criteria provided, single submitter. Criteria: Invitae Variant Classification Sherloc (09022015). Collection method: clinical testing. Allele origin: germline.
Comment: This sequence change replaces threonine, which is neutral and polar, with isoleucine, which is neutral and non-polar, at codon 890 of the FCHO1 protein (p.Thr890Ile). This variant is not present in population databases (gnomAD no frequency). This variant has not been reported in the literature in individuals affected with FCHO1-related conditions. Algorithms developed to predict the effect of missense changes on protein structure and function are either unavailable or do not agree on the potential impact of this missense change (SIFT: "Tolerated"; PolyPhen-2: "Possibly Damaging"; Align-GVGD: "Class C0"). In summary, the available evidence is currently insufficient to determine the role of this variant in disease. Therefore, it has been classified as a Variant of Uncertain Significance.

NM_015122.3(FCHO1):c.2655C>T (p.Tyr885=)

Gene: FCHO1 (FCH and mu domain containing endocytic adaptor 1; plus strand). Cytogenetic location: 19p13.11.
Variant type: single nucleotide variant.
Coding change: c.2655C>T on transcript NM_015122.3 (MANE Select); coding-DNA position 2655, C replaced by T.
Protein change: p.Tyr885=; no amino-acid change (tyrosine 885 retained).
Molecular consequence: synonymous variant. On other transcripts: missense variant (5), non-coding transcript variant (36).
Genome position (GRCh38, 1-based): chr19:17,788,291, C>T. VCF-style: chr19-17788291-C-T. GRCh37 (hg19) VCF-style: chr19-17899100-C-T.
Other names: c.2669C>T, p.Thr890Ile (NM_001161357.2); c.2655C>T, p.Tyr885= (NM_001161358.2, NM_001384370.1, NM_001384371.1 and 10 more transcripts); c.2505C>T, p.Tyr835= (NM_001161359.2, NM_001384384.1, NM_001384385.1 and 1 more transcripts); c.2634C>T, p.Tyr878= (NM_001384387.1); c.2616C>T, p.Tyr872= (NM_001384388.1, NM_001384389.1); c.2580C>T, p.Tyr860= (NM_001384390.1); c.2455C>T, p.Pro819Ser (NM_001384391.1); c.2552C>T, p.Thr851Ile (NM_001384392.1); and 7 more; short protein forms P727S, P677S, T890I, T851I, P819S.
Identifiers: ClinVar variation 2121186 (VCV002121186.4), dbSNP rs1266758443, ClinGen allele CA404759544.